The following is an entry in ClinVar:

ClinVar aggregate classification (germline): Uncertain significance (1 of 4 stars; one submission).

Conditions:
Cardiovascular phenotype. Identifiers: MedGen CN230736.

Submission:

Ambry Genetics
Classification: Uncertain significance for Cardiovascular phenotype. Last evaluated: 2024-12-07. Review status: criteria provided, single submitter. Criteria: Ambry Variant Classification Scheme 2023. Collection method: clinical testing. Allele origin: germline.
Comment: The p.A1181T variant (also known as c.3541G>A), located in coding exon 23 of the SOS1 gene, results from a G to A substitution at nucleotide position 3541. The alanine at codon 1181 is replaced by threonine, an amino acid with similar properties. This amino acid position is conserved. In addition, the in silico prediction for this alteration is inconclusive. Based on the available evidence, the clinical significance of this variant remains unclear.

NM_005633.4(SOS1):c.3541G>A (p.Ala1181Thr)

Gene: SOS1 (SOS Ras/Rac guanine nucleotide exchange factor 1; minus strand). Cytogenetic location: 2p22.1.
Variant type: single nucleotide variant.
Coding change: c.3541G>A on transcript NM_005633.4 (MANE Select); coding-DNA position 3541, G replaced by A.
Protein change: p.Ala1181Thr; replaces alanine 1181 with threonine.
Molecular consequence: missense variant.
Genome position (GRCh38, 1-based): chr2:38,986,285, C>T on the plus strand (G>A on the coding strand, the complement: SOS1 is on the minus strand). VCF-style: chr2-38986285-C-T. GRCh37 (hg19) VCF-style: chr2-39213426-C-T.
Other names: c.3520G>A, p.Ala1174Thr (NM_001382394.1); c.3496G>A, p.Ala1166Thr (NM_001382395.1); short protein forms A1181T, A1174T, A1166T.
Identifiers: ClinVar variation 3447354 (VCV003447354.1).